The following is an entry in ClinVar:

NM_022725.4(FANCF):c.821A>G (p.Tyr274Cys)

Gene: FANCF (FA complementation group F; minus strand). Cytogenetic location: 11p14.3.
Variant type: single nucleotide variant.
Coding change: c.821A>G on transcript NM_022725.4 (MANE Select); coding-DNA position 821, A replaced by G.
Protein change: p.Tyr274Cys; replaces tyrosine 274 with cysteine.
Molecular consequence: missense variant.
Genome position (GRCh38, 1-based): chr11:22,624,990, T>C on the plus strand (A>G on the coding strand, the complement: FANCF is on the minus strand). VCF-style: chr11-22624990-T-C. GRCh37 (hg19) VCF-style: chr11-22646536-T-C.
Other names: short protein forms Y274C.
Identifiers: ClinVar variation 1375139 (VCV001375139.7), dbSNP rs144524228, ClinGen allele CA5924253.

ClinVar aggregate classification (germline): Uncertain significance. Review status: criteria provided, multiple submitters, no conflicts (2 of 4 stars). 2 submissions from 2 submitters: Uncertain significance (2). Last evaluated 2024-06-13.

Conditions:
Fanconi anemia (FA). Also called: Fanconi's anemia. Identifiers: Orphanet 84, MedGen C0015625, MeSH D005199, MONDO:0019391.
Fanconi anemia complementation group F. Also called: FANCF-Related Fanconi Anemia. Identifiers: Orphanet 84, MedGen C3469526, MONDO:0011325, OMIM 603467.

Submissions (2):

Fulgent Genetics
Classification: Uncertain significance for Fanconi anemia complementation group F. Last evaluated: 2024-06-13. Review status: criteria provided, single submitter. Criteria: ACMG Guidelines, 2015. Collection method: clinical testing. Allele origin: germline.

Labcorp Genetics (formerly Invitae), Labcorp
Classification: Uncertain significance for Fanconi anemia. Last evaluated: 2024-01-11. Review status: criteria provided, single submitter. Criteria: Invitae Variant Classification Sherloc (09022015). Collection method: clinical testing. Allele origin: germline.
Comment: This sequence change replaces tyrosine, which is neutral and polar, with cysteine, which is neutral and slightly polar, at codon 274 of the FANCF protein (p.Tyr274Cys). This variant is present in population databases (rs144524228, gnomAD 0.05%). This variant has not been reported in the literature in individuals affected with FANCF-related conditions. ClinVar contains an entry for this variant (Variation ID: 1375139). Advanced modeling of protein sequence and biophysical properties (such as structural, functional, and spatial information, amino acid conservation, physicochemical variation, residue mobility, and thermodynamic stability) performed at Invitae indicates that this missense variant is not expected to disrupt FANCF protein function with a negative predictive value of 80%. In summary, the available evidence is currently insufficient to determine the role of this variant in disease. Therefore, it has been classified as a Variant of Uncertain Significance.